The following is an entry in ClinVar:

NM_014225.6(PPP2R1A):c.952C>T (p.Arg318Trp)

Gene: PPP2R1A (protein phosphatase 2 scaffold subunit Aalpha; plus strand). Cytogenetic location: 19q13.41.
Variant type: single nucleotide variant.
Coding change: c.952C>T on transcript NM_014225.6 (MANE Select); coding-DNA position 952, C replaced by T.
Protein change: p.Arg318Trp; replaces arginine 318 with tryptophan.
Molecular consequence: missense variant. On other transcripts: non-coding transcript variant (1).
Genome position (GRCh38, 1-based): chr19:52,216,033, C>T. VCF-style: chr19-52216033-C-T. GRCh37 (hg19) VCF-style: chr19-52719286-C-T.
Other names: c.415C>T, p.Arg139Trp (NM_001363656.2); short protein forms R139W, R318W.
Identifiers: ClinVar variation 1473742 (VCV001473742.6), dbSNP rs775654171, ClinGen allele CA309868438.

ClinVar aggregate classification (germline): Uncertain significance (1 of 4 stars; one submission).

gnomAD v4.1: 5 of 1,613,914 alleles (0.00031%); highest among the groups gnomAD compares: African/African-American, 0.0013%; no homozygotes.

Submission:

Labcorp Genetics (formerly Invitae), Labcorp
Classification: Uncertain significance. Last evaluated: 2021-10-22. Review status: criteria provided, single submitter. Criteria: Invitae Variant Classification Sherloc (09022015). Collection method: clinical testing. Allele origin: germline.
Comment: This sequence change replaces arginine, which is basic and polar, with tryptophan, which is neutral and slightly polar, at codon 318 of the PPP2R1A protein (p.Arg318Trp). This variant is present in population databases (rs775654171, gnomAD 0.007%). This variant has not been reported in the literature in individuals affected with PPP2R1A-related conditions. Algorithms developed to predict the effect of missense changes on protein structure and function are either unavailable or do not agree on the potential impact of this missense change (SIFT: "Deleterious"; PolyPhen-2: "Probably Damaging"; Align-GVGD: "Class C0"). In summary, the available evidence is currently insufficient to determine the role of this variant in disease. Therefore, it has been classified as a Variant of Uncertain Significance.